The following is an entry in ClinVar:

NM_024809.5(TCTN2):c.500C>T (p.Pro167Leu)

Gene: TCTN2 (tectonic family member 2; plus strand). Cytogenetic location: 12q24.31.
Variant type: single nucleotide variant.
Coding change: c.500C>T on transcript NM_024809.5 (MANE Select); coding-DNA position 500, C replaced by T.
Protein change: p.Pro167Leu; replaces proline 167 with leucine.
Molecular consequence: missense variant.
Genome position (GRCh38, 1-based): chr12:123,679,225, C>T. VCF-style: chr12-123679225-C-T. GRCh37 (hg19) VCF-style: chr12-124163772-C-T.
Other names: c.497C>T, p.Pro166Leu (NM_001143850.3); short protein forms P167L, P166L.
Identifiers: ClinVar variation 307545 (VCV000307545.10), dbSNP rs201140519, ClinGen allele CA6860908.

ClinVar aggregate classification (germline): Conflicting classifications of pathogenicity. Review status: criteria provided, conflicting classifications (1 of 4 stars). 5 submissions from 4 submitters: Uncertain significance (4); Likely benign (1). Last evaluated 2024-10-17.

Conditions:
Meckel syndrome, type 8. Identifiers: Orphanet 564, MedGen C3836857, MONDO:0013482, OMIM 613885.
Joubert syndrome 24 (JBTS24). Identifiers: Orphanet 475, MedGen C4084841, MONDO:0014724, OMIM 616654.
Meckel-Gruber syndrome. Also called: GRUBER SYNDROME; DYSENCEPHALIA SPLANCHNOCYSTICA; Dysencephalia splachnocystica. Identifiers: Orphanet 564, MedGen C0265215, MONDO:0018921.
Joubert syndrome. Also called: JOUBERT-BOLTSHAUSER SYNDROME; Familial aplasia of the vermis. Identifiers: Orphanet 475, MedGen C5979921, MONDO:0018772.

Allele frequency attached by ClinVar (database versions not stated): ESP Exome Variant Server 0.00008; TOPMed 0.00008; gnomAD exomes 0.00013 and 0.00021; ExAC 0.00016; gnomAD 0.00020 and 0.00022.
gnomAD v4.1: 216 of 1,613,952 alleles (0.013%); highest among the groups gnomAD compares: Non-Finnish European, 0.0092%; no homozygotes.

Submissions (5):

Blueprint Genetics
Classification: Likely benign. Last evaluated: 2024-10-17. Review status: criteria provided, single submitter. Criteria: ACMG Guidelines, 2015. Collection method: clinical testing. Allele origin: germline.

Fulgent Genetics
Classification: Uncertain significance for Meckel syndrome, type 8; Joubert syndrome 24. Last evaluated: 2024-03-23. Review status: criteria provided, single submitter. Criteria: ACMG Guidelines, 2015. Collection method: clinical testing. Allele origin: germline.

Labcorp Genetics (formerly Invitae), Labcorp
Classification: Uncertain significance for Joubert syndrome; Meckel-Gruber syndrome. Last evaluated: 2023-11-07. Review status: criteria provided, single submitter. Criteria: Invitae Variant Classification Sherloc (09022015). Collection method: clinical testing. Allele origin: germline.
Comment: This sequence change replaces proline, which is neutral and non-polar, with leucine, which is neutral and non-polar, at codon 167 of the TCTN2 protein (p.Pro167Leu). This variant is present in population databases (rs201140519, gnomAD 0.2%). This variant has not been reported in the literature in individuals affected with TCTN2-related conditions. ClinVar contains an entry for this variant (Variation ID: 307545). Advanced modeling of protein sequence and biophysical properties (such as structural, functional, and spatial information, amino acid conservation, physicochemical variation, residue mobility, and thermodynamic stability) performed at Invitae indicates that this missense variant is expected to disrupt TCTN2 protein function with a positive predictive value of 80%. In summary, the available evidence is currently insufficient to determine the role of this variant in disease. Therefore, it has been classified as a Variant of Uncertain Significance.

Illumina Laboratory Services, Illumina
Classification: Uncertain significance for Meckel syndrome, type 8. Last evaluated: 2018-01-13. Review status: criteria provided, single submitter. Criteria: ICSL Variant Classification Criteria 13 December 2019. Collection method: clinical testing. Allele origin: germline.

Illumina Laboratory Services, Illumina
Classification: Uncertain significance for Joubert syndrome 24. Last evaluated: 2018-01-13. Review status: criteria provided, single submitter. Criteria: ICSL Variant Classification Criteria 13 December 2019. Collection method: clinical testing. Allele origin: germline.